The following is an entry in ClinVar:

ClinVar aggregate classification (germline): Uncertain significance (1 of 4 stars; one submission).

Conditions:
Pitt-Hopkins-like syndrome 2 (PTHSL2). Identifiers: Orphanet 221150, Orphanet 600663, MedGen C3280479, MONDO:0013690, OMIM 614325.

gnomAD v4.1: 3 of 1,542,384 alleles (0.00019%); highest among the groups gnomAD compares: Non-Finnish European, 0.00026%; no homozygotes.

Submission:

Labcorp Genetics (formerly Invitae), Labcorp
Classification: Uncertain significance for Pitt-Hopkins-like syndrome 2. Last evaluated: 2025-06-25. Review status: criteria provided, single submitter. Criteria: Invitae Variant Classification Sherloc (09022015). Collection method: clinical testing. Allele origin: germline.
Comment: This sequence change replaces lysine, which is basic and polar, with glutamic acid, which is acidic and polar, at codon 253 of the NRXN1 protein (p.Lys253Glu). This variant is not present in population databases (gnomAD no frequency). This variant has not been reported in the literature in individuals affected with NRXN1-related conditions. An algorithm developed to predict the effect of missense changes on protein structure and function outputs the following: PolyPhen-2: "Benign". The glutamic acid amino acid residue is found in multiple mammalian species, which suggests that this missense change does not adversely affect protein function. In summary, the available evidence is currently insufficient to determine the role of this variant in disease. Therefore, it has been classified as a Variant of Uncertain Significance.

NM_001330078.2(NRXN1):c.757A>G (p.Lys253Glu)

Gene: NRXN1 (neurexin 1; minus strand). Cytogenetic location: 2p16.3.
Variant type: single nucleotide variant.
Coding change: c.757A>G on transcript NM_001330078.2 (MANE Select); coding-DNA position 757, A replaced by G.
Protein change: p.Lys253Glu; replaces lysine 253 with glutamic acid.
Molecular consequence: missense variant.
Genome position (GRCh38, 1-based): chr2:51,027,517, T>C on the plus strand (A>G on the coding strand, the complement: NRXN1 is on the minus strand). VCF-style: chr2-51027517-T-C. GRCh37 (hg19) VCF-style: chr2-51254655-T-C.
Other names: c.757A>G, p.Lys253Glu (NM_001135659.3, NM_001330077.2, NM_001330079.2 and 15 more transcripts); short protein forms K253E.
Identifiers: ClinVar variation 4766473 (VCV004766473.1).